The following is an entry in ClinVar:

NM_000132.4(F8):c.6968G>C (p.Arg2323Pro)

Gene: F8 (coagulation factor VIII; minus strand). Cytogenetic location: Xq28.
Variant type: single nucleotide variant.
Coding change: c.6968G>C on transcript NM_000132.4 (MANE Select); coding-DNA position 6968, G replaced by C.
Protein change: p.Arg2323Pro; replaces arginine 2323 with proline.
Molecular consequence: missense variant.
Genome position (GRCh38, 1-based): chrX:154,837,685, C>G on the plus strand (G>C on the coding strand, the complement: F8 is on the minus strand). VCF-style: chrX-154837685-C-G. GRCh37 (hg19) VCF-style: chrX-154065960-C-G.
Other names: c.563G>C, p.Arg188Pro (NM_019863.3); short protein forms R188P, R2323P.
Identifiers: ClinVar variation 1684377 (VCV001684377.1), dbSNP rs137852474, ClinGen allele CA414897240.

ClinVar aggregate classification (germline): Likely pathogenic (0 of 4 stars; one submission).

Conditions:
Hereditary factor VIII deficiency disease (HEMA). Also called: HEMOPHILIA, CLASSIC; AUTOSOMAL HEMOPHILIA A; Hemophilia A; Hemophilia A, congenital; HEM A; Factor 8 deficiency, congenital. Identifiers: Orphanet 98878, MedGen C0019069, MONDO:0010602, OMIM 306700.

Submission:

ISTH-SSC Genomics in Thrombosis and Hemostasis, KU Leuven, Center for Molecular and Vascular Biology
Classification: Likely pathogenic for Hereditary factor VIII deficiency disease. Review status: no assertion criteria provided. Collection method: research. Allele origin: unknown. Affected: yes.
Comment: Submitted to GoldVariant by Dr Karyn Mégy from NIHR Bioresource - Cambridge University, UK